The following is an entry in ClinVar:

ClinVar aggregate classification (germline): Pathogenic (1 of 4 stars; one submission).

Submission:

GeneDx
Classification: Pathogenic. Last evaluated: 2016-08-12. Review status: criteria provided, single submitter. Criteria: GeneDx Variant Classification (06012015). Collection method: clinical testing. Allele origin: germline. Affected: yes.
Comment: The c.198+1G>A pathogenic variant in the CLN6 gene has not been reported previously as a pathogenic variant nor as a benign variant, to our knowledge. This splice site variant destroys the canonical splice acceptor site in intron 2. It is predicted to cause abnormal gene splicing, either leading to an abnormal message that is subject to nonsense-mediated mRNA decay, or to an abnormal protein product if the message is used for protein translation. The c.198+1G>A variant was not observed in approximately 6500 individuals of European and African American ancestry in the NHLBI Exome Sequencing Project, indicating it is not a common benign variant in these populations. We interpret c.198+1G>A as a pathogenic variant.

NM_017882.3(CLN6):c.198+1G>A

Gene: CLN6 (CLN6 transmembrane ER protein; minus strand). Cytogenetic location: 15q23.
Variant type: single nucleotide variant.
Coding change: c.198+1G>A on transcript NM_017882.3 (MANE Select); the canonical splice donor site of the intron after coding-DNA position 198, G replaced by A.
Molecular consequence: splice donor variant.
Genome position (GRCh38, 1-based): chr15:68,218,535, C>T on the plus strand (G>A on the coding strand, the complement: CLN6 is on the minus strand). VCF-style: chr15-68218535-C-T. GRCh37 (hg19) VCF-style: chr15-68510873-C-T.
Other names: c.294+1G>A (NM_001411068.1).
Identifiers: ClinVar variation 265681 (VCV000265681.2), dbSNP rs886039727, ClinGen allele CA10588592.